The following is an entry in ClinVar:

ClinVar aggregate classification (germline): Uncertain significance (1 of 4 stars; one submission).

Conditions:
Cholestanol storage disease (CTX). Also called: CEREBRAL CHOLESTERINOSIS; Cerebrotendinous Xanthomatosis; CTX: Cerebrotendinous xanthomatosis. Identifiers: Orphanet 909, MedGen C0238052, MONDO:0008948, OMIM 213700.

Allele frequency attached by ClinVar (database versions not stated): ExAC 0.00001; gnomAD exomes below 0.00001.

Submission:

Labcorp Genetics (formerly Invitae), Labcorp
Classification: Uncertain significance for Cholestanol storage disease. Last evaluated: 2026-01-05. Review status: criteria provided, single submitter. Criteria: Invitae Variant Classification Sherloc (09022015). Collection method: clinical testing. Allele origin: germline.
Comment: This sequence change replaces asparagine, which is neutral and polar, with lysine, which is basic and polar, at codon 276 of the CYP27A1 protein (p.Asn276Lys). This variant is present in population databases (rs774999308, gnomAD 0.0009%). This variant has not been reported in the literature in individuals affected with CYP27A1-related conditions. ClinVar contains an entry for this variant (Variation ID: 1375034). Invitae Evidence Modeling of protein sequence and biophysical properties (such as structural, functional, and spatial information, amino acid conservation, physicochemical variation, residue mobility, and thermodynamic stability) indicates that this missense variant is not expected to disrupt CYP27A1 protein function with a negative predictive value of 80%. In summary, the available evidence is currently insufficient to determine the role of this variant in disease. Therefore, it has been classified as a Variant of Uncertain Significance.

NM_000784.4(CYP27A1):c.828T>G (p.Asn276Lys)

Gene: CYP27A1 (cytochrome P450 family 27 subfamily A member 1; plus strand). Cytogenetic location: 2q35.
Variant type: single nucleotide variant.
Coding change: c.828T>G on transcript NM_000784.4 (MANE Select); coding-DNA position 828, T replaced by G.
Protein change: p.Asn276Lys; replaces asparagine 276 with lysine.
Molecular consequence: missense variant.
Genome position (GRCh38, 1-based): chr2:218,812,733, T>G. VCF-style: chr2-218812733-T-G. GRCh37 (hg19) VCF-style: chr2-219677456-T-G.
Other names: short protein forms N276K.
Identifiers: ClinVar variation 1375034 (VCV001375034.6), dbSNP rs774999308, ClinGen allele CA2112727.
Genomic context (GRCh38, chr2:218,812,733, plus strand): 5'-CCTCCCCAAGTGGACTCGCCCCGTGCTGCCTTTCTGGAAGCGATACCTGGATGGTTGGAA[T>G]GCCATCTTTTCCTTTGGTGAGGACTCCCAGATGGGGCCCAGGGAAGAGAGATGGGGGTGA-3'
Protein context (NP_000775.1, residues 266-286): PFWKRYLDGW[Asn276Lys]AIFSFGKKLI